The following is an entry in ClinVar:

ClinVar aggregate classification (germline): Pathogenic (1 of 4 stars; one submission).

gnomAD v4.1: 3 of 1,613,934 alleles (0.00019%); highest among the groups gnomAD compares: Non-Finnish European, 0.00025%; no homozygotes.

Submission:

Labcorp Genetics (formerly Invitae), Labcorp
Classification: Pathogenic. Last evaluated: 2023-01-27. Review status: criteria provided, single submitter. Criteria: Invitae Variant Classification Sherloc (09022015). Collection method: clinical testing. Allele origin: germline.
Comment: For these reasons, this variant has been classified as Pathogenic. This variant has not been reported in the literature in individuals affected with VLDLR-related conditions. This variant is not present in population databases (gnomAD no frequency). This sequence change creates a premature translational stop signal (p.Tyr758*) in the VLDLR gene. It is expected to result in an absent or disrupted protein product. Loss-of-function variants in VLDLR are known to be pathogenic (PMID: 18043714, 18326629, 22532556).

Literature cited by the submitters: PubMed 18043714; PubMed 18326629; PubMed 22532556.

NM_003383.5(VLDLR):c.2274C>A (p.Tyr758Ter)

Gene: VLDLR (very low density lipoprotein receptor; plus strand). Cytogenetic location: 9p24.2.
Variant type: single nucleotide variant.
Coding change: c.2274C>A on transcript NM_003383.5 (MANE Select); coding-DNA position 2274, C replaced by A.
Protein change: p.Tyr758Ter; replaces tyrosine 758 with a stop codon.
Molecular consequence: nonsense. On other transcripts: intron variant (2).
Genome position (GRCh38, 1-based): chr9:2,651,437, C>A. VCF-style: chr9-2651437-C-A. GRCh37 (hg19) VCF-style: chr9-2651437-C-A.
Other names: c.2151C>A, p.Tyr717Ter (NM_001322225.2); c.2252-437C>A (NM_001018056.3); c.2129-437C>A (NM_001322226.2); short protein forms Y758*, Y717*.
Identifiers: ClinVar variation 2832321 (VCV002832321.3), dbSNP rs752411726, ClinGen allele CA372801628.